The following is an entry in ClinVar:

NM_170682.4(P2RX2):c.699C>T (p.Asp233=)

Gene: P2RX2 (purinergic receptor P2X 2; plus strand). Cytogenetic location: 12q24.33.
Variant type: single nucleotide variant.
Coding change: c.699C>T on transcript NM_170682.4 (MANE Select); coding-DNA position 699, C replaced by T.
Protein change: p.Asp233=; no amino-acid change (aspartic acid 233 retained).
Molecular consequence: synonymous variant. On other transcripts: missense variant (1).
Genome position (GRCh38, 1-based): chr12:132,620,508, C>T. VCF-style: chr12-132620508-C-T. GRCh37 (hg19) VCF-style: chr12-133197094-C-T.
Other names: p.Asp233=; c.592C>T, p.Pro198Ser (NM_001282164.2); c.699C>T, p.Asp233= (NM_001282165.2, NM_170683.4, NM_174873.3); c.483C>T, p.Asp161= (NM_012226.5); c.627C>T, p.Asp209= (NM_016318.4); c.423C>T, p.Asp141= (NM_174872.3); short protein forms P198S.
Identifiers: ClinVar variation 226987 (VCV000226987.19), dbSNP rs113782309, ClinGen allele CA6891616.

ClinVar aggregate classification (germline): Benign. Review status: criteria provided, multiple submitters, no conflicts (2 of 4 stars). 5 submissions from 5 submitters: Benign (5). Last evaluated 2026-02-01.

Allele frequency attached by ClinVar (database versions not stated): gnomAD exomes 0.00180 and 0.00075; 1000 Genomes Project 0.00559; gnomAD 0.00554 and 0.00585; ESP Exome Variant Server 0.00630; ExAC 0.00184; 1000 Genomes Project 30x 0.00562; TOPMed 0.00642.
gnomAD v4.1: 1,992 of 1,614,036 alleles (0.12%); highest among the groups gnomAD compares: African/African-American, 1.6%; 13 homozygotes.

Submissions (5):

Labcorp Genetics (formerly Invitae), Labcorp
Classification: Benign. Last evaluated: 2026-02-01. Review status: criteria provided, single submitter. Criteria: Invitae Variant Classification Sherloc (09022015). Collection method: clinical testing. Allele origin: germline.

Mayo Clinic Laboratories, Mayo Clinic
Classification: Benign. Last evaluated: 2024-10-24. Review status: criteria provided, single submitter. Criteria: ACMG Guidelines, 2015. Collection method: clinical testing. Allele origin: germline. Observed: 1 variant allele.
Comment: BA1, BS2

GeneDx
Classification: Benign. Last evaluated: 2020-09-28. Review status: criteria provided, single submitter. Criteria: GeneDx Variant Classification Process June 2021. Collection method: clinical testing. Allele origin: germline. Affected: yes.

Athena Diagnostics
Classification: Benign. Last evaluated: 2020-04-14. Review status: criteria provided, single submitter. Criteria: Athena Diagnostics Criteria. Collection method: clinical testing. Allele origin: unknown.

Laboratory for Molecular Medicine, Mass General Brigham Personalized Medicine
Classification: Benign. Last evaluated: 2014-11-24. Review status: criteria provided, single submitter. Criteria: LMM Criteria. Collection method: clinical testing. Allele origin: germline. Observed: 5 variant alleles.
Comment: Asp233Asp in exon 7 of P2RX2: This variant is not expected to have clinical sign ificance because it does not alter an amino acid residue and is not located with in the splice consensus sequence. It has been identified in 1.7% (75/4406) of Af rican American chromosomes from a broad population by the NHLBI Exome Sequencing Project (dbSNP rs113782309).